The following is an entry in ClinVar:

NM_001010867.4(IBA57):c.337T>C (p.Tyr113His)

Gene: IBA57 (iron-sulfur cluster assembly factor IBA57; plus strand). Cytogenetic location: 1q42.13.
Variant type: single nucleotide variant.
Coding change: c.337T>C on transcript NM_001010867.4 (MANE Select); coding-DNA position 337, T replaced by C.
Protein change: p.Tyr113His; replaces tyrosine 113 with histidine.
Molecular consequence: missense variant.
Genome position (GRCh38, 1-based): chr1:228,166,153, T>C. VCF-style: chr1-228166153-T-C. GRCh37 (hg19) VCF-style: chr1-228353854-T-C.
Other names: short protein forms Y113H.
Identifiers: ClinVar variation 426240 (VCV000426240.2), dbSNP rs1085307519, ClinGen allele CA345106891.

ClinVar aggregate classification (germline): Uncertain significance (1 of 4 stars; one submission).

Allele frequency attached by ClinVar (database versions not stated): gnomAD exomes 0.00001 and 0.00003; TOPMed 0.00002.

Submission:

GeneDx
Classification: Uncertain significance. Last evaluated: 2017-04-25. Review status: criteria provided, single submitter. Criteria: GeneDx Variant Classification (06012015). Collection method: clinical testing. Allele origin: germline. Affected: yes.
Comment: The Y113H variant in the IBA57 gene has not been reported previously as a pathogenic variant, nor as a benign variant, to our knowledge. The Y113H variant is not observed in large population cohorts (Lek et al., 2016; 1000 Genomes Consortium et al., 2015; Exome Variant Server). The Y113H variant is a non-conservative amino acid substitution, which is likely to impact secondary protein structure as these residues differ in polarity, charge, size and/or other properties. This substitution occurs at a position that is conserved across species. In silico analysis predicts this variant is probably damaging to the protein structure/function. We interpret Y113H as a variant of uncertain significance.